The following is an entry in ClinVar:

ClinVar aggregate classification (germline): Uncertain significance. Review status: criteria provided, multiple submitters, no conflicts (2 of 4 stars). 2 submissions from 2 submitters: Uncertain significance (2). Last evaluated 2025-04-03.

Conditions:
Cardiovascular phenotype. Identifiers: MedGen CN230736.

Allele frequency attached by ClinVar (database versions not stated): TOPMed 0.00005; gnomAD 0.00004.
gnomAD v4.1: 13 of 1,613,972 alleles (0.00081%); highest among the groups gnomAD compares: African/African-American, 0.012%; no homozygotes.

Submissions (2):

Women's Health and Genetics/Laboratory Corporation of America, LabCorp
Classification: Uncertain significance. Last evaluated: 2025-04-03. Review status: criteria provided, single submitter. Criteria: LabCorp Variant Classification Summary - May 2015. Collection method: clinical testing. Allele origin: germline.
Comment: Variant summary: TTN c.3004A>C (p.Ile1002Leu) results in a conservative amino acid change in the encoded protein sequence. Four of five in-silico tools predict a damaging effect of the variant on protein function. The variant allele was found at a frequency of 1.6e-05 in 250890 control chromosomes. The available data on variant occurrences in the general population are insufficient to allow any conclusion about variant significance. To our knowledge, no occurrence of c.3004A>C in individuals affected with TTN-related conditions and no experimental evidence demonstrating its impact on protein function have been reported. ClinVar contains an entry for this variant (Variation ID: 1796999). Based on the evidence outlined above, the variant was classified as uncertain significance.

Ambry Genetics
Classification: Uncertain significance for Cardiovascular phenotype. Last evaluated: 2020-03-05. Review status: criteria provided, single submitter. Criteria: Ambry Variant Classification Scheme 2023. Collection method: clinical testing. Allele origin: germline.
Comment: The p.I956L variant (also known as c.2866A>C), located in coding exon 16 of the TTN gene, results from an A to C substitution at nucleotide position 2866. The isoleucine at codon 956 is replaced by leucine, an amino acid with highly similar properties. This amino acid position is highly conserved in available vertebrate species. In addition, the in silico prediction for this alteration is inconclusive. Since supporting evidence is limited at this time, the clinical significance of this alteration remains unclear.

NM_001267550.2(TTN):c.3004A>C (p.Ile1002Leu)

Gene: TTN (titin; minus strand). Cytogenetic location: 2q31.2.
Variant type: single nucleotide variant.
Coding change: c.3004A>C on transcript NM_001267550.2 (MANE Select); coding-DNA position 3004, A replaced by C.
Protein change: p.Ile1002Leu; replaces isoleucine 1002 with leucine.
Molecular consequence: missense variant.
Genome position (GRCh38, 1-based): chr2:178,782,902, T>G on the plus strand (A>C on the coding strand, the complement: TTN is on the minus strand). VCF-style: chr2-178782902-T-G. GRCh37 (hg19) VCF-style: chr2-179647629-T-G.
Other names: c.3004A>C, p.Ile1002Leu (NM_001256850.1, NM_133378.4, NM_133379.5); c.2866A>C, p.Ile956Leu (NM_003319.4, NM_133432.3, NM_133437.4); short protein forms I1002L, I956L.
Identifiers: ClinVar variation 1796999 (VCV001796999.4), dbSNP rs879153744, ClinGen allele CA60981221.